The following is an entry in ClinVar:

NM_020686.6(ABAT):c.309C>T (p.Val103=)

Gene: ABAT (4-aminobutyrate aminotransferase; plus strand). Cytogenetic location: 16p13.2.
Variant type: single nucleotide variant.
Coding change: c.309C>T on transcript NM_020686.6 (MANE Select); coding-DNA position 309, C replaced by T.
Protein change: p.Val103=; no amino-acid change (valine 103 retained).
Molecular consequence: synonymous variant. On other transcripts: intron variant (1).
Genome position (GRCh38, 1-based): chr16:8,750,532, C>T. VCF-style: chr16-8750532-C-T. GRCh37 (hg19) VCF-style: chr16-8844389-C-T.
Other names: c.309C>T, p.Val103= (NM_000663.5, NM_001127448.2, NM_001386600.1 and 11 more transcripts); c.174C>T, p.Val58= (NM_001386610.1, NM_001386611.1, NM_001386612.1 and 1 more transcripts); c.71-7225C>T (NM_001386614.1).
Identifiers: ClinVar variation 320845 (VCV000320845.18), dbSNP rs2229157, ClinGen allele CA7893039.

ClinVar aggregate classification (germline): Benign. Review status: criteria provided, multiple submitters, no conflicts (2 of 4 stars). 4 submissions from 4 submitters: Benign (3). 1 of the submissions does not count toward it. Last evaluated 2026-02-03.

Conditions:
Gamma-aminobutyric acid transaminase deficiency (GABATD). Also called: GABA aminotransaminase deficiency; GABA transaminase deficiency; Gamma aminobutyrate transaminase deficiency; 4 alpha aminobutyrate transaminase deficiency. Identifiers: Orphanet 2066, MedGen C0342708, MONDO:0013166, OMIM 613163.

Allele frequency attached by ClinVar (database versions not stated): 1000 Genomes Project 0.10483; gnomAD exomes 0.12091; ExAC 0.12096; ESP Exome Variant Server 0.08989; TOPMed 0.09133; gnomAD 0.09544 and 0.09826; 1000 Genomes Project 30x 0.10306.
gnomAD v4.1: 177,022 of 1,612,246 alleles (11%); highest among the groups gnomAD compares: East Asian, 15%; 10,396 homozygotes.

Submissions (4):

Labcorp Genetics (formerly Invitae), Labcorp
Classification: Benign for Gamma-aminobutyric acid transaminase deficiency. Last evaluated: 2026-02-03. Review status: criteria provided, single submitter. Criteria: Invitae Variant Classification Sherloc (09022015). Collection method: clinical testing. Allele origin: germline.

Illumina Laboratory Services, Illumina
Classification: Benign for Gamma-aminobutyric acid transaminase deficiency. Last evaluated: 2018-01-12. Review status: criteria provided, single submitter. Criteria: ICSL Variant Classification Criteria 13 December 2019. Collection method: clinical testing. Allele origin: germline.
Comment: This variant was observed in the ICSL laboratory as part of a predisposition screen in an ostensibly healthy population. It had not been previously curated by ICSL or reported in the Human Gene Mutation Database (HGMD: prior to June 1st, 2018), and was therefore a candidate for classification through an automated scoring system. Utilizing variant allele frequency, disease prevalence and penetrance estimates, and inheritance mode, an automated score was calculated to assess if this variant is too frequent to cause the disease. Based on the score and internal cut-off values, a variant classified as benign is not then subjected to further curation. The score for this variant resulted in a classification of benign for this disease.

Breakthrough Genomics
Classification: Benign. Review status: criteria provided, single submitter. Criteria: ACMG Guidelines, 2015. Collection method: not provided. Allele origin: germline. Inheritance: Autosomal recessive inheritance. Affected: yes.

Mayo Clinic Laboratories, Mayo Clinic
Classification: Benign. Last evaluated: 2016-02-11. Review status: no assertion criteria provided. Collection method: clinical testing. Allele origin: unknown. Not counted in ClinVar's aggregate classification.